The following is an entry in ClinVar:

NM_000091.5(COL4A3):c.170C>A (p.Pro57His)

Genes: COL4A3 (collagen type IV alpha 3 chain; plus strand), MFF-DT (MFF divergent transcript; minus strand). Cytogenetic location: 2q36.3.
Variant type: single nucleotide variant.
Coding change: c.170C>A on transcript NM_000091.5 (MANE Select); coding-DNA position 170, C replaced by A.
Protein change: p.Pro57His; replaces proline 57 with histidine.
Molecular consequence: missense variant.
Genome position (GRCh38, 1-based): chr2:227,240,168, C>A. VCF-style: chr2-227240168-C-A. GRCh37 (hg19) VCF-style: chr2-228104884-C-A.
Other names: short protein forms P57H.
Identifiers: ClinVar variation 1941989 (VCV001941989.2), dbSNP rs759289956, ClinGen allele CA350859235.

ClinVar aggregate classification (germline): Uncertain significance (1 of 4 stars; one submission).

gnomAD v4.1: 2 of 1,611,038 alleles (0.00012%); highest among the groups gnomAD compares: Non-Finnish European, 0.00017%; no homozygotes.

Submission:

Labcorp Genetics (formerly Invitae), Labcorp
Classification: Uncertain significance. Last evaluated: 2021-04-07. Review status: criteria provided, single submitter. Criteria: Invitae Variant Classification Sherloc (09022015). Collection method: clinical testing. Allele origin: germline.
Comment: This sequence change replaces proline with histidine at codon 57 of the COL4A3 protein (p.Pro57His). The proline residue is moderately conserved and there is a moderate physicochemical difference between proline and histidine. This variant is not present in population databases (ExAC no frequency). This variant has not been reported in the literature in individuals with COL4A3-related conditions. Advanced modeling of protein sequence and biophysical properties (such as structural, functional, and spatial information, amino acid conservation, physicochemical variation, residue mobility, and thermodynamic stability) performed at Invitae indicates that this missense variant is not expected to disrupt COL4A3 protein function. In summary, the available evidence is currently insufficient to determine the role of this variant in disease. Therefore, it has been classified as a Variant of Uncertain Significance.